The following is an entry in ClinVar:

NM_001127511.3(APC):c.-213A>T

Genes: APC (APC regulator of Wnt signaling pathway; plus strand), LOC129994371 (ATAC-STARR-seq lymphoblastoid active region 22910; plus strand). Cytogenetic location: 5q22.2.
Variant type: single nucleotide variant.
Coding change: c.-213A>T on transcript NM_001127511.3; 213 bases upstream of the start codon, A replaced by T.
Molecular consequence: 5 prime UTR variant. On other transcripts: non-coding transcript variant (2).
Genome position (GRCh38, 1-based): chr5:112,707,505, A>T. VCF-style: chr5-112707505-A-T. GRCh37 (hg19) VCF-style: chr5-112043202-A-T.
Other names: c.-396A>T (NM_001354895.2, NM_001407447.1, NM_001407452.1 and 3 more transcripts); c.-213A>T (NM_001354897.2, NM_001354902.2, NM_001407446.1); c.-163A>T (NM_001407448.1, NM_001407450.1, NM_001407457.1 and 1 more transcripts); c.-187A>T (NM_001407453.1); c.-1431A>T (NM_001407470.1, NM_001407472.1).
Identifiers: ClinVar variation 641700 (VCV000641700.9), dbSNP rs1554060181, ClinGen allele CA915943576.

ClinVar aggregate classification (germline): Uncertain significance (1 of 4 stars; one submission).

Conditions:
Familial adenomatous polyposis 1 (FAP1). Also called: FAMILIAL ADENOMATOUS POLYPOSIS 1, ATTENUATED; POLYPOSIS, ADENOMATOUS INTESTINAL. Identifiers: MedGen C2713442, MONDO:0021056, OMIM 175100. Disease mechanism: loss of function.

gnomAD v4.1: 1 of 450,178 alleles (0.00022%); no homozygotes.

Submission:

Labcorp Genetics (formerly Invitae), Labcorp
Classification: Uncertain significance for Familial adenomatous polyposis 1. Last evaluated: 2018-10-07. Review status: criteria provided, single submitter. Criteria: Invitae Variant Classification Sherloc (09022015). Collection method: clinical testing. Allele origin: germline.
Comment: This variant occurs in a non-coding region of the APC gene. It does not change the encoded amino acid sequence of the APC protein. The frequency data for this variant in the population databases is considered unreliable, as metrics indicate insufficient coverage at this position in the ExAC database. This variant has not been reported in the literature in individuals with APC-related disease. Experimental studies and prediction algorithms are not available for this variant, and the functional significance of this non-coding change is currently unknown. In summary, the available evidence is currently insufficient to determine the role of this variant in disease. Therefore, it has been classified as a Variant of Uncertain Significance.